The following is an entry in ClinVar:

NM_012144.4(DNAI1):c.476G>A (p.Ser159Asn)

Gene: DNAI1 (dynein axonemal intermediate chain 1; plus strand). Cytogenetic location: 9p13.3.
Variant type: single nucleotide variant.
Coding change: c.476G>A on transcript NM_012144.4 (MANE Select); coding-DNA position 476, G replaced by A.
Protein change: p.Ser159Asn; replaces serine 159 with asparagine.
Molecular consequence: missense variant.
Genome position (GRCh38, 1-based): chr9:34,490,099, G>A. VCF-style: chr9-34490099-G-A. GRCh37 (hg19) VCF-style: chr9-34490097-G-A.
Other names: c.476G>A (NM_012144.2); c.488G>A, p.Ser163Asn (NM_001281428.2); short protein forms S159N, S163N.
Identifiers: ClinVar variation 454837 (VCV000454837.9), dbSNP rs149230619, ClinGen allele CA5034063.

ClinVar aggregate classification (germline): Uncertain significance. Review status: criteria provided, multiple submitters, no conflicts (2 of 4 stars). 5 submissions from 5 submitters: Uncertain significance (4). 1 of the submissions does not count toward it. Last evaluated 2024-08-29.

Conditions:
Primary ciliary dyskinesia. Also called: Ciliary dyskinesia. Identifiers: Orphanet 244, MedGen C0008780, MONDO:0016575, HP:0012265.
Kartagener syndrome (CILD1). Also called: Dextrocardia bronchiectasis and sinusitis; SIEWERT SYNDROME; CILIARY DYSKINESIA, PRIMARY, 1; CILIARY DYSKINESIA, PRIMARY, 1, WITH OR WITHOUT SITUS INVERSUS; IMMOTILE CILIA SYNDROME; POLYNESIAN BRONCHIECTASIS. Identifiers: Orphanet 244, MedGen C4551906, MONDO:0009484, OMIM 244400.

Allele frequency attached by ClinVar (database versions not stated): gnomAD exomes 0.00004; ESP Exome Variant Server 0.00008; TOPMed 0.00002; gnomAD 0.00003; ExAC 0.00004.
gnomAD v4.1: 131 of 1,613,964 alleles (0.0081%); highest among the groups gnomAD compares: Non-Finnish European, 0.01%; no homozygotes.

Submissions (5):

GeneDx
Classification: Uncertain significance. Last evaluated: 2024-08-29. Review status: criteria provided, single submitter. Criteria: GeneDx Variant Classification Process June 2021. Collection method: clinical testing. Allele origin: germline. Affected: yes.
Comment: In silico analysis indicates that this missense variant does not alter protein structure/function; Has not been previously published as pathogenic or benign to our knowledge

Johns Hopkins Genomics, Johns Hopkins University
Classification: Uncertain significance for Kartagener syndrome. Last evaluated: 2023-12-01. Review status: criteria provided, single submitter. Criteria: ACMG Guidelines, 2015. Collection method: clinical testing. Allele origin: germline.
Comment: This DNAI1 missense variant (rs149230619) is rare (<0.1%) in a large population dataset (gnomAD v4.0.0: 131/1613964 total alleles; 0.01%; no homozygotes). It has been reported in ClinVar (Variation ID 454837), but has not been reported in the literature, to our knowledge. Two bioinformatic tools queried predict that this substitution would be tolerated, and the serine residue at this position is evolutionarily conserved across all of the species assessed. We consider the clinical significance of c.476G>A in DNAI1 to be uncertain at this time.

Ambry Genetics
Classification: Uncertain significance for Primary ciliary dyskinesia. Last evaluated: 2022-12-05. Review status: criteria provided, single submitter. Criteria: Ambry Variant Classification Scheme 2023. Collection method: clinical testing. Allele origin: germline.

Labcorp Genetics (formerly Invitae), Labcorp
Classification: Uncertain significance for Primary ciliary dyskinesia. Last evaluated: 2022-02-24. Review status: criteria provided, single submitter. Criteria: Invitae Variant Classification Sherloc (09022015). Collection method: clinical testing. Allele origin: germline.
Comment: This sequence change replaces serine, which is neutral and polar, with asparagine, which is neutral and polar, at codon 159 of the DNAI1 protein (p.Ser159Asn). This variant is present in population databases (rs149230619, gnomAD 0.009%). This variant has not been reported in the literature in individuals affected with DNAI1-related conditions. ClinVar contains an entry for this variant (Variation ID: 454837). Algorithms developed to predict the effect of missense changes on protein structure and function (SIFT, PolyPhen-2, Align-GVGD) all suggest that this variant is likely to be tolerated. In summary, the available evidence is currently insufficient to determine the role of this variant in disease. Therefore, it has been classified as a Variant of Uncertain Significance.

Natera, Inc.
Classification: Uncertain significance for Primary ciliary dyskinesia. Last evaluated: 2019-10-28. Review status: no assertion criteria provided. Collection method: clinical testing. Allele origin: germline. Not counted in ClinVar's aggregate classification.